The following is an entry in ClinVar:

NM_013275.6(ANKRD11):c.4510_4532del (p.Thr1504fs)

Gene: ANKRD11 (ankyrin repeat domain 11; minus strand). Cytogenetic location: 16q24.3.
Variant type: Deletion.
Coding change: c.4510_4532del on transcript NM_013275.6 (MANE Select); coding-DNA positions 4510 to 4532, 23 bases deleted (ACCAGGGACAAGGACAGCCCGCC).
Protein change: p.Thr1504fs; shifts the reading frame from threonine 1504.
Molecular consequence: frameshift variant.
Genome position (GRCh38, 1-based): chr16:89,282,010-89,282,032, GGCGGGCTGTCCTTGTCCCTGGT deleted on the plus strand (ACCAGGGACAAGGACAGCCCGCC on the coding strand, the reverse complement: ANKRD11 is on the minus strand); deleting any 23 consecutive bases within chr16:89,282,010-89,282,040 gives the same sequence; the c. name uses the placement nearest the transcript's 3' end. VCF-style (leftmost placement, unchanged base first): chr16-89282009-GGGCGGGCTGTCCTTGTCCCTGGT-G. GRCh37 (hg19) VCF-style: chr16-89348417-GGGCGGGCTGTCCTTGTCCCTGGT-G.
Other names: c.4510_4532del, p.Thr1504fs (NM_001256182.2, NM_001256183.2); short protein forms T1504fs.
Identifiers: ClinVar variation 3707226 (VCV003707226.2).

ClinVar aggregate classification (germline): Pathogenic (1 of 4 stars; one submission).

Conditions:
KBG syndrome (KBGS). Also called: ANKRD11-Related KBG Syndrome. Identifiers: Orphanet 2332, MedGen C0220687, MONDO:0007846, OMIM 148050.

Submission:

Labcorp Genetics (formerly Invitae), Labcorp
Classification: Pathogenic for KBG syndrome. Last evaluated: 2024-09-11. Review status: criteria provided, single submitter. Criteria: Invitae Variant Classification Sherloc (09022015). Collection method: clinical testing. Allele origin: germline.
Comment: This sequence change creates a premature translational stop signal (p.Thr1504Profs*42) in the ANKRD11 gene. It is expected to result in an absent or disrupted protein product. Loss-of-function variants in ANKRD11 are known to be pathogenic (PMID: 21782149, 25125236, 25413698, 25652421). This variant is not present in population databases (gnomAD no frequency). This variant has not been reported in the literature in individuals affected with ANKRD11-related conditions. For these reasons, this variant has been classified as Pathogenic.

Literature cited by the submitters: PubMed 21782149; PubMed 25125236; PubMed 25413698; PubMed 25652421.